The following is an entry in ClinVar:

NM_024675.4(PALB2):c.261T>C (p.His87=)

Gene: PALB2 (partner and localizer of BRCA2; minus strand). Cytogenetic location: 16p12.2.
Variant type: single nucleotide variant.
Coding change: c.261T>C on transcript NM_024675.4 (MANE Select); coding-DNA position 261, T replaced by C.
Protein change: p.His87=; no amino-acid change (histidine 87 retained).
Molecular consequence: synonymous variant.
Genome position (GRCh38, 1-based): chr16:23,636,285, A>G on the plus strand (T>C on the coding strand, the complement: PALB2 is on the minus strand). VCF-style: chr16-23636285-A-G. GRCh37 (hg19) VCF-style: chr16-23647606-A-G.
Other names: c.261T>C (NM_024675.3).
Identifiers: ClinVar variation 1639892 (VCV001639892.11), dbSNP rs2142447442, ClinGen allele CA494165826.

ClinVar aggregate classification (germline): Benign/Likely benign. Review status: criteria provided, multiple submitters, no conflicts (2 of 4 stars). 3 submissions from 3 submitters: Benign (1); Likely benign (2). Last evaluated 2025-11-01.

Conditions:
Hereditary cancer-predisposing syndrome. Also called: Hereditary Cancer Syndrome; Neoplastic Syndromes, Hereditary; Tumor predisposition; Hereditary neoplastic syndrome. Identifiers: Orphanet 140162, MedGen C0027672, MeSH D009386, MONDO:0015356.
Familial cancer of breast. Also called: Hereditary breast cancer; hereditary breast carcinoma; BREAST CANCER, FAMILIAL. Identifiers: Orphanet 227535, MedGen C0346153, MONDO:0016419, OMIM 114480. Disease mechanism: loss of function.

Submissions (3):

Ambry Genetics
Classification: Likely benign for Hereditary cancer-predisposing syndrome. Last evaluated: 2025-11-01. Review status: criteria provided, single submitter. Criteria: Ambry Variant Classification Scheme 2023. Collection method: clinical testing. Allele origin: germline.

Myriad Genetics, Inc.
Classification: Benign for Familial cancer of breast. Last evaluated: 2025-01-10. Review status: criteria provided, single submitter. Criteria: Myriad Autosomal Dominant, Autosomal Recessive and X-Linked Classification Criteria (2023). Collection method: clinical testing. Allele origin: unknown.
Comment: This variant is considered benign. This variant is a silent/synonymous amino acid change and it is not expected to impact splicing.

Labcorp Genetics (formerly Invitae), Labcorp
Classification: Likely benign for Familial cancer of breast. Last evaluated: 2021-03-17. Review status: criteria provided, single submitter. Criteria: Invitae Variant Classification Sherloc (09022015). Collection method: clinical testing. Allele origin: germline.